The following is an entry in ClinVar:

NM_001134363.3(RBM20):c.901del (p.Ala301fs)

Gene: RBM20 (RNA binding motif protein 20; plus strand). Cytogenetic location: 10q25.2.
Variant type: Deletion.
Coding change: c.901del on transcript NM_001134363.3 (MANE Select); coding-DNA position 901, one base deleted (G; older notation c.901delG).
Protein change: p.Ala301fs; shifts the reading frame from alanine 301.
Molecular consequence: frameshift variant.
Genome position (GRCh38, 1-based): chr10:110,781,510, G deleted; the last of 2 consecutive G bases (chr10:110,781,509-110,781,510); deleting either gives the same sequence. VCF-style (leftmost placement, unchanged base first): chr10-110781508-AG-A. GRCh37 (hg19) VCF-style: chr10-112541266-AG-A.
Other names: short protein forms A301fs.
Identifiers: ClinVar variation 947254 (VCV000947254.7), dbSNP rs1844347315, ClinGen allele CA1139661692.

ClinVar aggregate classification (germline): Pathogenic (1 of 4 stars; one submission).

Conditions:
Dilated cardiomyopathy 1DD (CMD1DD). Identifiers: Orphanet 154, MedGen C2750995, MONDO:0013168, OMIM 613172.

Submission:

Labcorp Genetics (formerly Invitae), Labcorp
Classification: Pathogenic for Dilated cardiomyopathy 1DD. Last evaluated: 2025-11-21. Review status: criteria provided, single submitter. Criteria: Invitae Variant Classification Sherloc (09022015). Collection method: clinical testing. Allele origin: germline.
Comment: This sequence change creates a premature translational stop signal (p.Ala301Leufs*4) in the RBM20 gene. It is expected to result in an absent or disrupted protein product. Loss-of-function variants in RBM20 are known to be pathogenic (PMID: 20590677, 22004663, 38288598, 38510713, 40339755). This variant is not present in population databases (gnomAD no frequency). This variant has not been reported in the literature in individuals affected with RBM20-related conditions. ClinVar contains an entry for this variant (Variation ID: 947254). For these reasons, this variant has been classified as Pathogenic.

Literature cited by the submitters: PubMed 20590677; PubMed 22004663; PubMed 38288598; PubMed 38510713; PubMed 40339755.